The following is an entry in ClinVar:

ClinVar aggregate classification (germline): Conflicting classifications of pathogenicity. Review status: criteria provided, conflicting classifications (1 of 4 stars). 6 submissions from 6 submitters: Uncertain significance (3); Likely benign (3). Last evaluated 2025-08-20.

Conditions:
Cardiovascular phenotype. Identifiers: MedGen CN230736.
Cardiomyopathy (CMYO). Also called: Cardiomyopathies. Identifiers: Orphanet 167848, MedGen C0878544, MONDO:0004994, HP:0001638. Inheritance: Various modes of inheritance.
Lethal congenital glycogen storage disease of heart. Also called: GLYCOGEN STORAGE DISEASE OF HEART; PHOSPHORYLASE KINASE DEFICIENCY OF HEART. Identifiers: Orphanet 439854, MedGen C1849813, MONDO:0009867, OMIM 261740.

Allele frequency attached by ClinVar (database versions not stated): gnomAD exomes 0.00003 and 0.00012; ExAC 0.00004; gnomAD 0.00020 and 0.00021; TOPMed 0.00034.
gnomAD v4.1: 75 of 1,613,956 alleles (0.0046%); highest among the groups gnomAD compares: Admixed American, 0.085%; no homozygotes.

Submissions (6):

Labcorp Genetics (formerly Invitae), Labcorp
Classification: Likely benign for Lethal congenital glycogen storage disease of heart. Last evaluated: 2025-08-20. Review status: criteria provided, single submitter. Criteria: Invitae Variant Classification Sherloc (09022015). Collection method: clinical testing. Allele origin: germline.

Blueprint Genetics
Classification: Likely benign. Last evaluated: 2023-06-30. Review status: criteria provided, single submitter. Criteria: ACMG Guidelines, 2015. Collection method: clinical testing. Allele origin: germline.

GeneDx
Classification: Uncertain significance. Last evaluated: 2023-02-27. Review status: criteria provided, single submitter. Criteria: GeneDx Variant Classification Process June 2021. Collection method: clinical testing. Allele origin: germline. Affected: yes.
Comment: Identified in a patient with HCM in published literature (Mademont-Soler et al., 2017); this patient harbored additional cardiogenetic variants; In silico analysis supports that this missense variant does not alter protein structure/function; This variant is associated with the following publications: (PMID: 28771489)

Ambry Genetics
Classification: Uncertain significance for Cardiovascular phenotype. Last evaluated: 2021-11-10. Review status: criteria provided, single submitter. Criteria: Ambry Variant Classification Scheme 2023. Collection method: clinical testing. Allele origin: germline.
Comment: The c.313G>A (p.V105M) alteration is located in exon 3 (coding exon 3) of the PRKAG2 gene. This alteration results from a G to A substitution at nucleotide position 313, causing the valine (V) at amino acid position 105 to be replaced by a methionine (M). The alteration is ultra rare in population databases:_x000D_ _x000D_ Based on data from the Genome Aggregation Database (gnomAD), the c.313G>A alteration was observed in 0.012% (32/276916) total alleles studied. The altered amino acid is conserved throughout evolution:_x000D_ _x000D_ The p.V105 amino acid is somewhat well conserved in available vertebrate species. Both the elephant and the platypus share the proband's methionine as the reference allele at the 105 position. In silico prediction is conflicting:_x000D_ _x000D_ The p.V105M alteration is predicted to be benign by Polyphen and deleterious by SIFT in silico analyses. Based on insufficient or conflicting evidence, the clinical significance of this alteration remains unclear.

Color Diagnostics, LLC DBA Color Health
Classification: Likely benign for Cardiomyopathy. Last evaluated: 2020-11-25. Review status: criteria provided, single submitter. Criteria: ACMG Guidelines, 2015. Collection method: clinical testing. Allele origin: germline.

Laboratory for Molecular Medicine, Mass General Brigham Personalized Medicine
Classification: Uncertain significance. Last evaluated: 2016-05-27. Review status: criteria provided, single submitter. Criteria: LMM Criteria. Collection method: clinical testing. Allele origin: germline. Observed: 3 variant alleles.
Comment: Variant classified as Uncertain Significance - Favor Benign. The p.Val105Met var iant in PRKAG2 has been identified by our laboratory in 1 individual with HCM an d ventricular tachycardia and 1 individual with HCM/RCM. Both of these individua ls carried a likely pathogenic variant in another gene. This variant has been id entified in 5/66212 European chromosomes by the Exome Aggregation Consortium (Ex AC; dbSNP rs397517269). Valine (Val) at positio n 105 is not conserved in mammals or evolutionarily distant species and 2 mammal s (elephant and platypus) carry a methionine (Met) at this position, suggesting that this change may be tolerated. Additional computational prediction tools sug gest that this variant may not impact the protein, though this information is no t predictive enough to rule out pathogenicity. In addition, this variant is loca ted outside the CBS domain region where all pathogenic PRKAG2 variants have been identified(Oliveira 2003). In summary, while the clinical significance of the p .Val105Met variant is uncertain, these data suggest that it is more likely to be benign.

NM_016203.4(PRKAG2):c.313G>A (p.Val105Met)

Gene: PRKAG2 (protein kinase AMP-activated non-catalytic subunit gamma 2; minus strand). Cytogenetic location: 7q36.1.
Variant type: single nucleotide variant.
Coding change: c.313G>A on transcript NM_016203.4 (MANE Select); coding-DNA position 313, G replaced by A.
Protein change: p.Val105Met; replaces valine 105 with methionine.
Molecular consequence: missense variant.
Genome position (GRCh38, 1-based): chr7:151,781,305, C>T on the plus strand (G>A on the coding strand, the complement: PRKAG2 is on the minus strand). VCF-style: chr7-151781305-C-T. GRCh37 (hg19) VCF-style: chr7-151478391-C-T.
Other names: c.181G>A, p.Val61Met (NM_001040633.2); short protein forms V105M, V61M.
Identifiers: ClinVar variation 45714 (VCV000045714.24), dbSNP rs397517269, ClinGen allele CA014132.